The following is an entry in ClinVar:

NM_198578.4(LRRK2):c.6561A>C (p.Glu2187Asp)

Gene: LRRK2 (leucine rich repeat kinase 2; plus strand). Cytogenetic location: 12q12.
Variant type: single nucleotide variant.
Coding change: c.6561A>C on transcript NM_198578.4 (MANE Select); coding-DNA position 6561, A replaced by C.
Protein change: p.Glu2187Asp; replaces glutamic acid 2187 with aspartic acid.
Molecular consequence: missense variant.
Genome position (GRCh38, 1-based): chr12:40,351,718, A>C. VCF-style: chr12-40351718-A-C. GRCh37 (hg19) VCF-style: chr12-40745520-A-C.
Other names: short protein forms E2187D.
Identifiers: ClinVar variation 3229738 (VCV003229738.1), dbSNP rs2499982428, ClinGen allele CA384407581.

ClinVar aggregate classification (germline): Uncertain significance (1 of 4 stars; one submission).

Conditions:
Inborn genetic diseases. Identifiers: MedGen C0950123, MeSH D030342.

Submission:

Ambry Genetics
Classification: Uncertain significance for Inborn genetic diseases. Last evaluated: 2023-12-10. Review status: criteria provided, single submitter. Criteria: Ambry Variant Classification Scheme 2023. Collection method: clinical testing. Allele origin: germline.
Comment: The p.E2187D variant (also known as c.6561A>C), located in coding exon 44 of the LRRK2 gene, results from an A to C substitution at nucleotide position 6561. The glutamic acid at codon 2187 is replaced by aspartic acid, an amino acid with highly similar properties. This amino acid position is conserved. In addition, this alteration is predicted to be tolerated by in silico analysis. Since supporting evidence is limited at this time, the clinical significance of this alteration remains unclear.